The following is an entry in ClinVar:

ClinVar aggregate classification (germline): Likely benign (1 of 4 stars; one submission).

Submission:

CeGaT Center for Human Genetics Tuebingen
Classification: Likely benign. Last evaluated: 2025-05-01. Review status: criteria provided, single submitter. Criteria: CeGaT Center For Human Genetics Tuebingen Variant Classification Criteria Version 2. Collection method: clinical testing. Allele origin: germline. Affected: yes. Observed: 3 variant alleles.
Comment: TUBA8: BP4, BP7

NC_000022.11:g.18140070C>T

Gene: TUBA8 (tubulin alpha 8; plus strand). Cytogenetic location: 22q11.21.
Variant type: single nucleotide variant.
Genome position: GRCh38 VCF-style: chr22-18140070-C-T. GRCh37 (hg19) VCF-style: chr22-18622837-C-T.
Identifiers: ClinVar variation 3388074 (VCV003388074.14).